The following is an entry in ClinVar:

ClinVar aggregate classification (germline): Conflicting classifications of pathogenicity. Review status: criteria provided, conflicting classifications (1 of 4 stars). 2 submissions from 2 submitters: Uncertain significance (1); Likely benign (1). Last evaluated 2026-07-01.

Conditions:
Congenital myasthenic syndrome 15. Also called: Myasthenic syndrome, congenital, 15, without tubular aggregates. Identifiers: Orphanet 353327, Orphanet 590, MedGen C4015596, MONDO:0014542, OMIM 616227.

Allele frequency attached by ClinVar (database versions not stated): gnomAD 0.00001; TOPMed 0.00001; gnomAD exomes 0.00002 and 0.00003; ExAC 0.00003.
gnomAD v4.1: 40 of 1,613,944 alleles (0.0025%); highest among the groups gnomAD compares: Admixed American, 0.01%; 1 homozygote.

Submissions (2):

CeGaT Center for Human Genetics Tuebingen
Classification: Likely benign. Last evaluated: 2026-07-01. Review status: criteria provided, single submitter. Criteria: CeGaT Center For Human Genetics Tuebingen Variant Classification Criteria Version 2. Collection method: clinical testing. Allele origin: germline. Affected: yes. Observed: 1 variant allele.
Comment: ALG14: BP4

Labcorp Genetics (formerly Invitae), Labcorp
Classification: Uncertain significance for Congenital myasthenic syndrome 15. Last evaluated: 2022-08-31. Review status: criteria provided, single submitter. Criteria: Invitae Variant Classification Sherloc (09022015). Collection method: clinical testing. Allele origin: germline.
Comment: This sequence change replaces threonine, which is neutral and polar, with methionine, which is neutral and non-polar, at codon 180 of the ALG14 protein (p.Thr180Met). This variant is present in population databases (rs750820046, gnomAD 0.009%). This variant has not been reported in the literature in individuals affected with ALG14-related conditions. ClinVar contains an entry for this variant (Variation ID: 1505051). Algorithms developed to predict the effect of missense changes on protein structure and function are either unavailable or do not agree on the potential impact of this missense change (SIFT: "Deleterious"; PolyPhen-2: "Probably Damaging"; Align-GVGD: "Class C0"). In summary, the available evidence is currently insufficient to determine the role of this variant in disease. Therefore, it has been classified as a Variant of Uncertain Significance.

NM_144988.4(ALG14):c.539C>T (p.Thr180Met)

Gene: ALG14 (ALG14 UDP-N-acetylglucosaminyltransferase subunit; minus strand). Cytogenetic location: 1p21.3.
Variant type: single nucleotide variant.
Coding change: c.539C>T on transcript NM_144988.4 (MANE Select); coding-DNA position 539, C replaced by T.
Protein change: p.Thr180Met; replaces threonine 180 with methionine.
Molecular consequence: missense variant. On other transcripts: 3 prime UTR variant (1), non-coding transcript variant (1).
Genome position (GRCh38, 1-based): chr1:94,983,188, G>A on the plus strand (C>T on the coding strand, the complement: ALG14 is on the minus strand). VCF-style: chr1-94983188-G-A. GRCh37 (hg19) VCF-style: chr1-95448744-G-A.
Other names: c.*108C>T (NM_001305242.2); short protein forms T180M.
Identifiers: ClinVar variation 1505051 (VCV001505051.5), dbSNP rs750820046, ClinGen allele CA961758.